The following is an entry in ClinVar:

NM_000313.4(PROS1):c.149A>C (p.Lys50Thr)

Gene: PROS1 (protein S; minus strand). Cytogenetic location: 3q11.1.
Variant type: single nucleotide variant.
Coding change: c.149A>C on transcript NM_000313.4 (MANE Select); coding-DNA position 149, A replaced by C.
Protein change: p.Lys50Thr; replaces lysine 50 with threonine.
Molecular consequence: missense variant.
Genome position (GRCh38, 1-based): chr3:93,927,335, T>G on the plus strand (A>C on the coding strand, the complement: PROS1 is on the minus strand). VCF-style: chr3-93927335-T-G. GRCh37 (hg19) VCF-style: chr3-93646179-T-G.
Other names: c.245A>C, p.Lys82Thr (NM_001314077.2); short protein forms K82T, K50T.
Identifiers: ClinVar variation 410827 (VCV000410827.4), dbSNP rs745579260, ClinGen allele CA2503582.
Genomic context (GRCh38, chr3:93,927,335, plus strand): 5'-TCCCTGGCTTCTTCTTTATTGCACAGTTCTTCGATGCATTCTCTTTCAAGATTACCCTGT[T>G]TGGTTTCTTCAAGTAAAGAATTTGCACGACGCTTCCTAACCAGGACTTGTGAAGCCTGTT-3'
Protein context (NP_000304.2, residues 40-60): RRANSLLEET[Lys50Thr]QGNLERECIE

ClinVar aggregate classification (germline): Uncertain significance. Review status: criteria provided, multiple submitters, no conflicts (2 of 4 stars). 3 submissions from 3 submitters: Uncertain significance (3). Last evaluated 2025-05-22.

Conditions:
PROS1-related disorder. Also called: PROS1-related condition.
Thrombophilia due to protein S deficiency, autosomal recessive (THPH6). Identifiers: Orphanet 743, MedGen C3281092, MONDO:0013791, OMIM 614514. Disease mechanism: loss of function.
Thrombophilia due to protein S deficiency, autosomal dominant (THPH5). Identifiers: Orphanet 26349, Orphanet 743, MedGen C3278211, MONDO:0012868, OMIM 612336. Disease mechanism: loss of function.

Allele frequency attached by ClinVar (database versions not stated): gnomAD exomes 0.00001 and 0.00002; ExAC 0.00002.
gnomAD v4.1: 6 of 1,613,846 alleles (0.00037%); highest among the groups gnomAD compares: East Asian, 0.0089%; no homozygotes.

Submissions (3):

PreventionGenetics, part of Exact Sciences
Classification: Uncertain significance for PROS1-related condition. Last evaluated: 2025-05-22. Review status: criteria provided, single submitter. Criteria: ACMG Guidelines, 2015. Collection method: clinical testing. Allele origin: germline.
Comment: The PROS1 c.149A>C variant is predicted to result in the amino acid substitution p.Lys50Thr. This variant was reported in an individual with suspected protein S deficiency (Chan et al. 2018. PubMed ID: 29748776). This variant is reported in 0.027% of alleles in individuals of East Asian descent in gnomAD. At this time, the clinical significance of this variant is uncertain due to the absence of conclusive functional and genetic evidence.

Labcorp Genetics (formerly Invitae), Labcorp
Classification: Uncertain significance for Thrombophilia due to protein S deficiency, autosomal recessive. Last evaluated: 2016-09-25. Review status: criteria provided, single submitter. Criteria: Invitae Variant Classification Sherloc (09022015). Collection method: clinical testing. Allele origin: germline.
Comment: This sequence change replaces lysine with threonine at codon 50 of the PROS1 protein (p.Lys50Thr). The lysine residue is highly conserved and there is a moderate physicochemical difference between lysine and threonine. This variant is present in population databases (rs745579260, ExAC 0.02%) but has not been reported in the literature in individuals with a PROS1-related disease. Algorithms developed to predict the effect of missense changes on protein structure and function do not agree on the potential impact of this missense change (SIFT: "Deleterious"; PolyPhen-2: "Probably Damaging"; Align-GVGD: "Class C0"). In summary, this variant is a rare missense change with uncertain impact on protein function. There is no indication that it causes disease, but the available evidence is currently insufficient to prove that conclusively. Therefore, it has been classified as a Variant of Uncertain Significance.

Juno Genomics, Hangzhou Juno Genomics, Inc
Classification: Uncertain significance for Thrombophilia due to protein S deficiency, autosomal dominant; Thrombophilia due to protein S deficiency, autosomal recessive. Review status: criteria provided, single submitter. Criteria: ACMG Guidelines, 2015. Collection method: clinical testing. Allele origin: germline. Affected: yes.
Comment: Absent from controls (or at extremely low frequency if recessive) in Genome Aggregation Database, Exome Sequencing Project, 1000 Genomes Project, or Exome Aggregation Consortium.